The following is an entry in ClinVar:

ClinVar aggregate classification (germline): Uncertain significance. Review status: criteria provided, multiple submitters, no conflicts (2 of 4 stars). 4 submissions from 4 submitters: Uncertain significance (4). Last evaluated 2025-11-08.

Conditions:
Inborn genetic diseases. Identifiers: MedGen C0950123, MeSH D030342.

Allele frequency attached by ClinVar (database versions not stated): gnomAD 0.00001; gnomAD exomes 0.00001; TOPMed 0.00001; ExAC 0.00002.

Submissions (4):

Labcorp Genetics (formerly Invitae), Labcorp
Classification: Uncertain significance. Last evaluated: 2025-11-08. Review status: criteria provided, single submitter. Criteria: Invitae Variant Classification Sherloc (09022015). Collection method: clinical testing. Allele origin: germline.
Comment: This sequence change replaces serine, which is neutral and polar, with proline, which is neutral and non-polar, at codon 548 of the SAMD9 protein (p.Ser548Pro). This variant is present in population databases (rs770331176, gnomAD 0.01%). This variant has not been reported in the literature in individuals affected with SAMD9-related conditions. ClinVar contains an entry for this variant (Variation ID: 2574823). Invitae Evidence Modeling of protein sequence and biophysical properties (such as structural, functional, and spatial information, amino acid conservation, physicochemical variation, residue mobility, and thermodynamic stability) indicates that this missense variant is not expected to disrupt SAMD9 protein function with a negative predictive value of 95%. In summary, the available evidence is currently insufficient to determine the role of this variant in disease. Therefore, it has been classified as a Variant of Uncertain Significance.

Ambry Genetics
Classification: Uncertain significance for Inborn genetic diseases. Last evaluated: 2025-03-11. Review status: criteria provided, single submitter. Criteria: Ambry Variant Classification Scheme 2023. Collection method: clinical testing. Allele origin: germline.

GeneDx
Classification: Uncertain significance. Last evaluated: 2024-01-17. Review status: criteria provided, single submitter. Criteria: GeneDx Variant Classification Process June 2021. Collection method: clinical testing. Allele origin: germline. Affected: yes.
Comment: Not observed at significant frequency in large population cohorts (gnomAD); In silico analysis supports that this missense variant does not alter protein structure/function; Has not been previously published as pathogenic or benign to our knowledge; This variant is associated with the following publications: (PMID: 28545555)

Breakthrough Genomics
Classification: Uncertain significance. Review status: criteria provided, single submitter. Criteria: ACMG Guidelines, 2015. Collection method: not provided. Allele origin: germline. Inheritance: Autosomal recessive inheritance. Affected: yes.

NM_017654.4(SAMD9):c.1642T>C (p.Ser548Pro)

Gene: SAMD9 (sterile alpha motif domain containing 9; minus strand). Cytogenetic location: 7q21.2.
Variant type: single nucleotide variant.
Coding change: c.1642T>C on transcript NM_017654.4 (MANE Select); coding-DNA position 1642, T replaced by C.
Protein change: p.Ser548Pro; replaces serine 548 with proline.
Molecular consequence: missense variant.
Genome position (GRCh38, 1-based): chr7:93,104,456, A>G on the plus strand (T>C on the coding strand, the complement: SAMD9 is on the minus strand). VCF-style: chr7-93104456-A-G. GRCh37 (hg19) VCF-style: chr7-92733769-A-G.
Other names: c.1642T>C, p.Ser548Pro (NM_001193307.2); short protein forms S548P.
Identifiers: ClinVar variation 2574823 (VCV002574823.5), dbSNP rs770331176, ClinGen allele CA4342951.